The following is an entry in ClinVar:

NM_001378477.3(NYX):c.195C>G (p.Asp65Glu)

Gene: NYX (nyctalopin; plus strand). Cytogenetic location: Xp11.4.
Variant type: single nucleotide variant.
Coding change: c.195C>G on transcript NM_001378477.3 (MANE Select); coding-DNA position 195, C replaced by G.
Protein change: p.Asp65Glu; replaces aspartic acid 65 with glutamic acid.
Molecular consequence: missense variant.
Genome position (GRCh38, 1-based): chrX:41,473,663, C>G. VCF-style: chrX-41473663-C-G. GRCh37 (hg19) VCF-style: chrX-41332916-C-G.
Other names: c.195C>G, p.Asp65Glu (NM_022567.3); short protein forms D65E.
Identifiers: ClinVar variation 1372097 (VCV001372097.6), dbSNP rs2064372479, ClinGen allele CA412989604.

ClinVar aggregate classification (germline): Uncertain significance (1 of 4 stars; one submission).

Allele frequency attached by ClinVar (database versions not stated): TOPMed 0.00001; gnomAD exomes 0.00003.
gnomAD v4.1: 32 of 1,109,451 alleles (0.0029%); highest among the groups gnomAD compares: Non-Finnish European, 0.0036%; no homozygotes.

Submission:

Labcorp Genetics (formerly Invitae), Labcorp
Classification: Uncertain significance. Last evaluated: 2021-12-03. Review status: criteria provided, single submitter. Criteria: Invitae Variant Classification Sherloc (09022015). Collection method: clinical testing. Allele origin: germline.
Comment: In summary, the available evidence is currently insufficient to determine the role of this variant in disease. Therefore, it has been classified as a Variant of Uncertain Significance. This sequence change replaces aspartic acid, which is acidic and polar, with glutamic acid, which is acidic and polar, at codon 70 of the NYX protein (p.Asp70Glu). This variant is not present in population databases (gnomAD no frequency). This variant has not been reported in the literature in individuals affected with NYX-related conditions. Algorithms developed to predict the effect of missense changes on protein structure and function are either unavailable or do not agree on the potential impact of this missense change (SIFT: "Tolerated"; PolyPhen-2: "Possibly Damaging"; Align-GVGD: "Class C0").